The following is an entry in ClinVar:

NM_017636.4(TRPM4):c.1180C>G (p.Leu394Val)

Gene: TRPM4 (transient receptor potential cation channel subfamily M member 4; plus strand). Cytogenetic location: 19q13.33.
Variant type: single nucleotide variant.
Coding change: c.1180C>G on transcript NM_017636.4 (MANE Select); coding-DNA position 1180, C replaced by G.
Protein change: p.Leu394Val; replaces leucine 394 with valine.
Molecular consequence: missense variant. On other transcripts: 5 prime UTR variant (1), intron variant (1).
Genome position (GRCh38, 1-based): chr19:49,181,378, C>G. VCF-style: chr19-49181378-C-G. GRCh37 (hg19) VCF-style: chr19-49684635-C-G.
Other names: c.1180C>G, p.Leu394Val (NM_001195227.2); c.835C>G, p.Leu279Val (NM_001321281.2); c.-374C>G (NM_001321282.2); c.658C>G, p.Leu220Val (NM_001321283.2); c.202-1200C>G (NM_001321285.2); short protein forms L279V, L394V, L220V.
Identifiers: ClinVar variation 1742101 (VCV001742101.10), dbSNP rs267605580, ClinGen allele CA9569117.
Genomic context (GRCh38, chr19:49,181,378, plus strand): 5'-TTCTTGTCCCCTCTCCCTCTAATCCTTCCAGCCTGTGGGAGCTCGGAGGCCTCAGCCTAC[C>G]TGGATGAGCTGCGTTTGGCTGTGGCTTGGAACCGCGTGGACATTGCCCAGAGTGAACTCT-3'
Protein context (NP_060106.2, residues 384-404): ACGSSEASAY[Leu394Val]DELRLAVAWN

ClinVar aggregate classification (germline): Uncertain significance. Review status: criteria provided, multiple submitters, no conflicts (2 of 4 stars). 4 submissions from 4 submitters: Uncertain significance (4). Last evaluated 2025-10-18.

Conditions:
Cardiovascular phenotype. Identifiers: MedGen CN230736.
TRPM4-related disorder. Also called: TRPM4-related condition; TRPM4-related disorders. Identifiers: MedGen CN239424.
Progressive familial heart block type IB (PFHB1B). Identifiers: Orphanet 871, MedGen C1970298, MONDO:0011474, OMIM 604559.

Allele frequency attached by ClinVar (database versions not stated): TOPMed 0.00003.
gnomAD v4.1: 31 of 1,613,870 alleles (0.0019%); highest among the groups gnomAD compares: Non-Finnish European, 0.0024%; no homozygotes.

Submissions (4):

Labcorp Genetics (formerly Invitae), Labcorp
Classification: Uncertain significance for Progressive familial heart block type IB. Last evaluated: 2025-10-18. Review status: criteria provided, single submitter. Criteria: Invitae Variant Classification Sherloc (09022015). Collection method: clinical testing. Allele origin: germline.
Comment: This sequence change replaces leucine, which is neutral and non-polar, with valine, which is neutral and non-polar, at codon 394 of the TRPM4 protein (p.Leu394Val). This variant is present in population databases (rs267605580, gnomAD 0.002%). This variant has not been reported in the literature in individuals affected with TRPM4-related conditions. ClinVar contains an entry for this variant (Variation ID: 1742101). An algorithm developed to predict the effect of missense changes on protein structure and function (PolyPhen-2) suggests that this variant is likely to be disruptive. In summary, the available evidence is currently insufficient to determine the role of this variant in disease. Therefore, it has been classified as a Variant of Uncertain Significance.

Ambry Genetics
Classification: Uncertain significance for Cardiovascular phenotype. Last evaluated: 2025-01-10. Review status: criteria provided, single submitter. Criteria: Ambry Variant Classification Scheme 2023. Collection method: clinical testing. Allele origin: germline.

Women's Health and Genetics/Laboratory Corporation of America, LabCorp
Classification: Uncertain significance. Last evaluated: 2024-05-06. Review status: criteria provided, single submitter. Criteria: LabCorp Variant Classification Summary - May 2015. Collection method: clinical testing. Allele origin: germline.

PreventionGenetics, part of Exact Sciences
Classification: Uncertain significance for TRPM4-related condition. Last evaluated: 2022-12-07. Review status: criteria provided, single submitter. Criteria: ACMG Guidelines, 2015. Collection method: clinical testing. Allele origin: germline.
Comment: The TRPM4 c.1180C>G variant is predicted to result in the amino acid substitution p.Leu394Val. To our knowledge, this variant has not been reported in the literature. This variant is reported in 0.0026% of alleles in individuals of European (Non-Finnish) descent in gnomAD. At this time, the clinical significance of this variant is uncertain due to the absence of conclusive functional and genetic evidence.